The following is an entry in ClinVar:

NM_001034853.2(RPGR):c.2718_2720del (p.Glu907del)

Gene: RPGR (retinitis pigmentosa GTPase regulator; minus strand). Cytogenetic location: Xp11.4.
Variant type: Deletion.
Coding change: c.2718_2720del on transcript NM_001034853.2 (MANE Select); coding-DNA positions 2718 to 2720, 3 bases deleted (GGA; older notation c.2718_2720delGGA).
Protein change: p.Glu907del; deletes glutamic acid 907.
Molecular consequence: intron variant (on NM_001367249.1).
Genome position (GRCh38, 1-based): chrX:38,286,279-38,286,281, TCC deleted on the plus strand (GGA on the coding strand, the reverse complement: RPGR is on the minus strand); deleting any 3 consecutive bases within chrX:38,286,279-38,286,283 gives the same sequence; the c. name uses the placement nearest the transcript's 3' end. VCF-style (leftmost placement, unchanged base first): chrX-38286278-TTCC-T. GRCh37 (hg19) VCF-style: chrX-38145531-TTCC-T.
Other names: c.1569+4678_1569+4680del (NM_001367249.1, NM_001367250.1); c.1902+813_1902+815del (NM_001367245.1); c.1386+4678_1386+4680del (NM_001367251.1); c.1719+813_1719+815del (NM_001367246.1); c.1572+4678_1572+4680del (NM_001367247.1); c.1905+813_1905+815del (NM_000328.3); c.1602+4678_1602+4680del (NM_001367248.1); short protein forms E907del.
Identifiers: ClinVar variation 3710508 (VCV003710508.2).
Genomic context (GRCh38, chrX:38,286,278, plus strand): 5'-TTCCTCTCCTTCCTCCTCCCCTTTCCCTTCTCCTTCCTCCTCTTCTCCCTCCCCTTCTCC[TTCC>T]TCTTCTCCCTCCCCTTCTCCTTCCTCCTCTTCTCCCTCCCCTTCTCCTTCCTCTTCTCCC-3'

ClinVar aggregate classification (germline): Uncertain significance (1 of 4 stars; one submission).

Conditions:
Primary ciliary dyskinesia. Also called: Ciliary dyskinesia. Identifiers: Orphanet 244, MedGen C0008780, MONDO:0016575, HP:0012265.

Submission:

Labcorp Genetics (formerly Invitae), Labcorp
Classification: Uncertain significance for Primary ciliary dyskinesia. Last evaluated: 2024-09-04. Review status: criteria provided, single submitter. Criteria: Invitae Variant Classification Sherloc (09022015). Collection method: clinical testing. Allele origin: germline.
Comment: This variant, c.2718_2720del, results in the deletion of 1 amino acid(s) of the RPGR (ORF15) protein (p.Glu907del), but otherwise preserves the integrity of the reading frame. This variant is not present in population databases (gnomAD no frequency). This variant has not been reported in the literature in individuals affected with RPGR (ORF15)-related conditions. Experimental studies and prediction algorithms are not available or were not evaluated, and the functional significance of this variant is currently unknown. In summary, the available evidence is currently insufficient to determine the role of this variant in disease. Therefore, it has been classified as a Variant of Uncertain Significance.